The following is an entry in ClinVar:

NM_013432.5(TONSL):c.4082G>T (p.Gly1361Val)

Gene: TONSL (tonsoku like, DNA repair protein; minus strand). Cytogenetic location: 8q24.3.
Variant type: single nucleotide variant.
Coding change: c.4082G>T on transcript NM_013432.5 (MANE Select); coding-DNA position 4082, G replaced by T.
Protein change: p.Gly1361Val; replaces glycine 1361 with valine.
Molecular consequence: missense variant.
Genome position (GRCh38, 1-based): chr8:144,429,198, C>A on the plus strand (G>T on the coding strand, the complement: TONSL is on the minus strand). VCF-style: chr8-144429198-C-A. GRCh37 (hg19) VCF-style: chr8-145654581-C-A.
Other names: short protein forms G1361V.
Identifiers: ClinVar variation 1937859 (VCV001937859.3), dbSNP rs947855895, ClinGen allele CA372636932.

ClinVar aggregate classification (germline): Uncertain significance (1 of 4 stars; one submission).

Allele frequency attached by ClinVar (database versions not stated): gnomAD 0.00001; TOPMed 0.00002.
gnomAD v4.1: 2 of 1,534,636 alleles (0.00013%); highest among the groups gnomAD compares: African/African-American, 0.0014%; no homozygotes.

Submission:

Labcorp Genetics (formerly Invitae), Labcorp
Classification: Uncertain significance. Last evaluated: 2022-05-12. Review status: criteria provided, single submitter. Criteria: Invitae Variant Classification Sherloc (09022015). Collection method: clinical testing. Allele origin: germline.
Comment: This sequence change replaces glycine, which is neutral and non-polar, with valine, which is neutral and non-polar, at codon 1361 of the TONSL protein (p.Gly1361Val). This variant is not present in population databases (gnomAD no frequency). This variant has not been reported in the literature in individuals affected with TONSL-related conditions. Algorithms developed to predict the effect of missense changes on protein structure and function (SIFT, PolyPhen-2, Align-GVGD) all suggest that this variant is likely to be tolerated. In summary, the available evidence is currently insufficient to determine the role of this variant in disease. Therefore, it has been classified as a Variant of Uncertain Significance.